The following is an entry in ClinVar:

ClinVar aggregate classification (germline): Uncertain significance. Review status: criteria provided, multiple submitters, no conflicts (2 of 4 stars). 2 submissions from 2 submitters: Uncertain significance (2). Last evaluated 2025-07-03.

Conditions:
Hereditary cancer-predisposing syndrome. Also called: Neoplastic Syndromes, Hereditary; Tumor predisposition; Hereditary Cancer Syndrome; Hereditary neoplastic syndrome. Identifiers: Orphanet 140162, MedGen C0027672, MeSH D009386, MONDO:0015356.

Submissions (2):

Ambry Genetics
Classification: Uncertain significance for Hereditary cancer-predisposing syndrome. Last evaluated: 2025-07-03. Review status: criteria provided, single submitter. Criteria: Ambry Variant Classification Scheme 2023. Collection method: clinical testing. Allele origin: germline.
Comment: The p.N766S variant (also known as c.2297A>G), located in coding exon 14 of the RAD50 gene, results from an A to G substitution at nucleotide position 2297. The asparagine at codon 766 is replaced by serine, an amino acid with highly similar properties. This amino acid position is conserved. In addition, this alteration is predicted to be tolerated by in silico analysis. Based on the available evidence, the clinical significance of this variant remains unclear.

Labcorp Genetics (formerly Invitae), Labcorp
Classification: Uncertain significance for Hereditary cancer-predisposing syndrome. Last evaluated: 2023-02-14. Review status: criteria provided, single submitter. Criteria: Invitae Variant Classification Sherloc (09022015). Collection method: clinical testing. Allele origin: germline.
Comment: This sequence change replaces asparagine, which is neutral and polar, with serine, which is neutral and polar, at codon 766 of the RAD50 protein (p.Asn766Ser). This variant is not present in population databases (gnomAD no frequency). This variant has not been reported in the literature in individuals affected with RAD50-related conditions. ClinVar contains an entry for this variant (Variation ID: 527381). Advanced modeling of protein sequence and biophysical properties (such as structural, functional, and spatial information, amino acid conservation, physicochemical variation, residue mobility, and thermodynamic stability) performed at Invitae indicates that this missense variant is not expected to disrupt RAD50 protein function. In summary, the available evidence is currently insufficient to determine the role of this variant in disease. Therefore, it has been classified as a Variant of Uncertain Significance.

NM_005732.4(RAD50):c.2297A>G (p.Asn766Ser)

Gene: RAD50 (RAD50 double strand break repair protein; plus strand). Cytogenetic location: 5q31.1.
Variant type: single nucleotide variant.
Coding change: c.2297A>G on transcript NM_005732.4 (MANE Select); coding-DNA position 2297, A replaced by G.
Protein change: p.Asn766Ser; replaces asparagine 766 with serine.
Molecular consequence: missense variant.
Genome position (GRCh38, 1-based): chr5:132,603,389, A>G. VCF-style: chr5-132603389-A-G. GRCh37 (hg19) VCF-style: chr5-131939081-A-G.
Other names: short protein forms N766S.
Identifiers: ClinVar variation 527381 (VCV000527381.10), dbSNP rs1554099094, ClinGen allele CA360954415.